The following is an entry in ClinVar:

ClinVar aggregate classification (germline): Uncertain significance (1 of 4 stars; one submission).

Conditions:
Inborn genetic diseases. Identifiers: MedGen C0950123, MeSH D030342.

Submission:

Ambry Genetics
Classification: Uncertain significance for Inborn genetic diseases. Last evaluated: 2025-07-12. Review status: criteria provided, single submitter. Criteria: Ambry Variant Classification Scheme 2023. Collection method: clinical testing. Allele origin: germline.
Comment: The p.A819S variant (also known as c.2455G>T), located in coding exon 1 of the SAMD9 gene, results from a G to T substitution at nucleotide position 2455. The alanine at codon 819 is replaced by serine, an amino acid with similar properties. This amino acid position is conserved. In addition, this alteration is predicted to be tolerated by in silico analysis. Based on the available evidence, the clinical significance of this variant remains unclear.

NM_017654.4(SAMD9):c.2455G>T (p.Ala819Ser)

Gene: SAMD9 (sterile alpha motif domain containing 9; minus strand). Cytogenetic location: 7q21.2.
Variant type: single nucleotide variant.
Coding change: c.2455G>T on transcript NM_017654.4 (MANE Select); coding-DNA position 2455, G replaced by T.
Protein change: p.Ala819Ser; replaces alanine 819 with serine.
Molecular consequence: missense variant.
Genome position (GRCh38, 1-based): chr7:93,103,643, C>A on the plus strand (G>T on the coding strand, the complement: SAMD9 is on the minus strand). VCF-style: chr7-93103643-C-A. GRCh37 (hg19) VCF-style: chr7-92732956-C-A.
Other names: c.2455G>T, p.Ala819Ser (NM_001193307.2); short protein forms A819S.
Identifiers: ClinVar variation 4159078 (VCV004159078.1).